The following is an entry in ClinVar:

ClinVar aggregate classification (germline): Pathogenic (1 of 4 stars; one submission).

Conditions:
Chondrodysplasia punctata, brachytelephalangic, autosomal. Also called: BRACHYTELEPHALANGIC CHONDRODYSPLASIA PUNCTATA. Identifiers: MedGen C1844853, MONDO:0011238, OMIM 602497.

Submission:

Labcorp Genetics (formerly Invitae), Labcorp
Classification: Pathogenic for Chondrodysplasia punctata, brachytelephalangic, autosomal. Last evaluated: 2024-01-04. Review status: criteria provided, single submitter. Criteria: Invitae Variant Classification Sherloc (09022015). Collection method: clinical testing. Allele origin: unknown.
Comment: A gross deletion of the genomic region encompassing the full coding sequence of the ARSE gene has been identified. Loss-of-function variants in ARSE are known to be pathogenic (PMID: 9497243, 23470839). The boundaries of this event are unknown as they extend beyond the assayed region for this gene and therefore may encompass additional genes. A similar copy number variant has been observed in individuals with chondrodysplasia punctata (PMID: 12567415, 23470839). For these reasons, this variant has been classified as Pathogenic.

Literature cited by the submitters: PubMed 9497243; PubMed 23470839; PubMed 12567415.

NC_000023.10:g.(?_2852873)_(2878441_?)del

Gene: ARSL (arylsulfatase L; minus strand). Cytogenetic location: Xp22.33.
Variant type: Deletion.
Identifiers: ClinVar variation 3244441 (VCV003244441.1).